The following is an entry in ClinVar:

NM_001277115.2(DNAH11):c.5863C>G (p.Leu1955Val)

Gene: DNAH11 (dynein axonemal heavy chain 11; plus strand). Cytogenetic location: 7p15.3.
Variant type: single nucleotide variant.
Coding change: c.5863C>G on transcript NM_001277115.2 (MANE Select); coding-DNA position 5863, C replaced by G.
Protein change: p.Leu1955Val; replaces leucine 1955 with valine.
Molecular consequence: missense variant.
Genome position (GRCh38, 1-based): chr7:21,687,466, C>G. VCF-style: chr7-21687466-C-G. GRCh37 (hg19) VCF-style: chr7-21727084-C-G.
Other names: c.5884C>G, p.Leu1962Val (NM_003777.3); short protein forms L1962V, L1955V.
Identifiers: ClinVar variation 1750157 (VCV001750157.2), dbSNP rs549960437, ClinGen allele CA366949720.

ClinVar aggregate classification (germline): Uncertain significance (1 of 4 stars; one submission).

Conditions:
Primary ciliary dyskinesia. Also called: Ciliary dyskinesia. Identifiers: Orphanet 244, MedGen C0008780, MONDO:0016575, HP:0012265.

Submission:

Ambry Genetics
Classification: Uncertain significance for Primary ciliary dyskinesia. Last evaluated: 2021-11-02. Review status: criteria provided, single submitter. Criteria: Ambry Variant Classification Scheme 2023. Collection method: clinical testing. Allele origin: germline.
Comment: The p.L1955V variant (also known as c.5863C>G), located in coding exon 34 of the DNAH11 gene, results from a C to G substitution at nucleotide position 5863. The leucine at codon 1955 is replaced by valine, an amino acid with highly similar properties. This amino acid position is conserved. In addition, this alteration is predicted to be tolerated by in silico analysis. Since supporting evidence is limited at this time, the clinical significance of this alteration remains unclear.